The following is an entry in ClinVar:

NM_139215.3(TAF15):c.1542_1562dup (p.Arg526_Ser527insGlyGlyTyrGlyGlyAspArg)

Gene: TAF15 (TATA-box binding protein associated factor 15; plus strand). Cytogenetic location: 17q12.
Variant type: Duplication.
Coding change: c.1542_1562dup on transcript NM_139215.3 (MANE Select); coding-DNA positions 1542 to 1562, 21 bases duplicated (TTATGGAGGAGATCGAGGAGG).
Protein change: p.Arg526_Ser527insGlyGlyTyrGlyGlyAspArg.
Genome position (GRCh38, 1-based): chr17:35,844,841-35,844,861, TTATGGAGGAGATCGAGGAGG duplicated; duplicating any 21 consecutive bases within chr17:35,844,824-35,844,861 gives the same sequence; the c. name uses the placement nearest the transcript's 3' end. VCF-style (leftmost placement, unchanged base first): chr17-35844823-C-CGGAGGAGATCGAGGAGGTTAT. GRCh37 (hg19) VCF-style: chr17-34171827-C-CGGAGGAGATCGAGGAGGTTAT.
Other names: c.1533_1553dup, p.Arg523_Ser524insGlyGlyTyrGlyGlyAspArg (NM_003487.4).
Identifiers: ClinVar variation 3045054 (VCV003045054.1), dbSNP rs750774088, ClinGen allele CA290041589.

ClinVar aggregate classification (germline): Likely benign (1 of 4 stars; one submission).

Conditions:
TAF15-related disorder. Also called: TAF15-related condition.

Submission:

PreventionGenetics, part of Exact Sciences
Classification: Likely benign for TAF15-related condition. Last evaluated: 2023-02-22. Review status: criteria provided, single submitter. Criteria: ACMG Guidelines, 2015. Collection method: clinical testing. Allele origin: germline.
Comment: This variant is classified as likely benign based on ACMG/AMP sequence variant interpretation guidelines (Richards et al. 2015 PMID: 25741868, with internal and published modifications).